The following is an entry in ClinVar:

ClinVar aggregate classification (germline): Uncertain significance (1 of 4 stars; one submission).

Conditions:
Malignant hyperthermia, susceptibility to, 1 (MHS1). Also called: Anesthesia related hyperthermia; Malignant hyperpyrexia; Fulminating hyperpyrexia; Pharmacogenic myopathy; RYR1-Related Malignant Hyperthermia Susceptibility; Malignant hyperthermia suceptibility 1. Identifiers: Orphanet 423, MedGen C2930980, MONDO:0007783, OMIM 145600.

Submission:

All of Us Research Program, National Institutes of Health
Classification: Uncertain significance for Malignant hyperthermia, susceptibility to, 1. Last evaluated: 2024-08-06. Review status: criteria provided, single submitter. Criteria: ACMG Guidelines, 2015. Collection method: clinical testing. Allele origin: germline. Inheritance: Autosomal dominant inheritance. Observed: 1 variant allele, 1 heterozygote.
Comment: This study involves interpretation of variants in research participants for the purpose of population health screening. Participant phenotype was not available at the time of variant classification. Additional details can be found in publication PMID: 35346344, PMCID: PMC8962531

NM_000540.3(RYR1):c.4808C>T (p.Ser1603Phe)

Gene: RYR1 (ryanodine receptor 1; plus strand). Cytogenetic location: 19q13.2.
Variant type: single nucleotide variant.
Coding change: c.4808C>T on transcript NM_000540.3 (MANE Select); coding-DNA position 4808, C replaced by T.
Protein change: p.Ser1603Phe; replaces serine 1603 with phenylalanine.
Molecular consequence: missense variant.
Genome position (GRCh38, 1-based): chr19:38,483,390, C>T. VCF-style: chr19-38483390-C-T. GRCh37 (hg19) VCF-style: chr19-38974030-C-T.
Other names: c.4808C>T, p.Ser1603Phe (NM_001042723.2); short protein forms S1603F.
Identifiers: ClinVar variation 3387723 (VCV003387723.1).
Genomic context (GRCh38, chr19:38,483,390, plus strand): 5'-GCAAGAACCCGGCCCCGCAGTGCCCACCGCGGCTGGAGATGCAGATGCTGATGCCAGTGT[C>T]CTGGAGCCGCATGCCCAACCACTTCCTGCAGGTGGAGACGAGGCGTGCCGGCGAGCGGCT-3'
Protein context (NP_000531.2, residues 1593-1613): RLEMQMLMPV[Ser1603Phe]WSRMPNHFLQ